The following is an entry in ClinVar:

ClinVar aggregate classification (germline): Conflicting classifications of pathogenicity. Review status: criteria provided, conflicting classifications (1 of 4 stars). 8 submissions from 8 submitters: Uncertain significance (6); Benign (1). 1 of the submissions does not count toward it. Last evaluated 2025-12-19.

Conditions:
Spastic paraplegia. Identifiers: MedGen C0037772, HP:0001258.
Charlevoix-Saguenay spastic ataxia (SACS). Also called: Spastic ataxia of Charlevoix-Saguenay; SPASTIC ATAXIA 6, AUTOSOMAL RECESSIVE; AUTOSOMAL RECESSIVE SPASTIC ATAXIA OF CHARLEVOIX-SAGUENAY. Identifiers: Orphanet 98, MedGen C1849140, MONDO:0010041, OMIM 270550.
Hereditary spastic paraplegia. Also called: Familial spastic paraparesis. Identifiers: Orphanet 685, MedGen C0037773, MONDO:0019064. Disease mechanism: loss of function.

Allele frequency attached by ClinVar (database versions not stated): ExAC 0.00004; ESP Exome Variant Server 0.00008; gnomAD exomes 0.00008; gnomAD 0.00009; TOPMed 0.00018.
gnomAD v4.1: 136 of 1,613,996 alleles (0.0084%); highest among the groups gnomAD compares: Admixed American, 0.028%; no homozygotes.

Submissions (8):

Labcorp Genetics (formerly Invitae), Labcorp
Classification: Benign for Spastic paraplegia. Last evaluated: 2025-12-19. Review status: criteria provided, single submitter. Criteria: Invitae Variant Classification Sherloc (09022015). Collection method: clinical testing. Allele origin: germline.

Mayo Clinic Laboratories, Mayo Clinic
Classification: Uncertain significance. Last evaluated: 2025-08-13. Review status: criteria provided, single submitter. Criteria: ACMG Guidelines, 2015. Collection method: clinical testing. Allele origin: germline. Observed: 1 variant allele.
Comment: BP4

Blueprint Genetics
Classification: Uncertain significance. Last evaluated: 2024-07-30. Review status: criteria provided, single submitter. Criteria: ACMG Guidelines, 2015. Collection method: clinical testing. Allele origin: germline.

Genome-Nilou Lab
Classification: Uncertain significance for Charlevoix-Saguenay spastic ataxia. Last evaluated: 2021-09-05. Review status: criteria provided, single submitter. Criteria: ACMG Guidelines, 2015. Collection method: clinical testing. Allele origin: germline. Affected: no.

Genome Diagnostics Laboratory, The Hospital for Sick Children
Classification: Uncertain significance for Hereditary spastic paraplegia. Last evaluated: 2021-09-01. Review status: criteria provided, single submitter. Criteria: ACMG Guidelines, 2015. Collection method: clinical testing. Allele origin: germline. Affected: yes.

Athena Diagnostics
Classification: Uncertain significance. Last evaluated: 2019-11-04. Review status: criteria provided, single submitter. Criteria: Athena Diagnostics Criteria. Collection method: clinical testing. Allele origin: unknown.

Illumina Laboratory Services, Illumina
Classification: Uncertain significance for Charlevoix-Saguenay spastic ataxia. Last evaluated: 2018-01-12. Review status: criteria provided, single submitter. Criteria: ICSL Variant Classification Criteria 13 December 2019. Collection method: clinical testing. Allele origin: germline.

Natera, Inc.
Classification: Uncertain significance for Charlevoix-Saguenay type spastic ataxia. Last evaluated: 2020-09-16. Review status: no assertion criteria provided. Collection method: clinical testing. Allele origin: germline. Not counted in ClinVar's aggregate classification.

NM_014363.6(SACS):c.1463C>T (p.Pro488Leu)

Gene: SACS (sacsin molecular chaperone; minus strand). Cytogenetic location: 13q12.12.
Variant type: single nucleotide variant.
Coding change: c.1463C>T on transcript NM_014363.6 (MANE Select); coding-DNA position 1463, C replaced by T.
Protein change: p.Pro488Leu; replaces proline 488 with leucine.
Molecular consequence: missense variant.
Genome position (GRCh38, 1-based): chr13:23,355,149, G>A on the plus strand (C>T on the coding strand, the complement: SACS is on the minus strand). VCF-style: chr13-23355149-G-A. GRCh37 (hg19) VCF-style: chr13-23929288-G-A.
Other names: p.Pro488Leu; c.1022C>T, p.Pro341Leu (NM_001278055.2); short protein forms P488L, P341L.
Identifiers: ClinVar variation 311562 (VCV000311562.19), dbSNP rs375875022, ClinGen allele CA6911912.